The following is an entry in ClinVar:

NM_000051.4(ATM):c.2972T>A (p.Leu991Ter)

Gene: ATM (ATM serine/threonine kinase; plus strand). Cytogenetic location: 11q22.3.
Variant type: single nucleotide variant.
Coding change: c.2972T>A on transcript NM_000051.4 (MANE Select); coding-DNA position 2972, T replaced by A.
Protein change: p.Leu991Ter; replaces leucine 991 with a stop codon.
Molecular consequence: nonsense.
Genome position (GRCh38, 1-based): chr11:108,271,301, T>A. VCF-style: chr11-108271301-T-A. GRCh37 (hg19) VCF-style: chr11-108142028-T-A.
Other names: c.2972T>A, p.Leu991Ter (NM_001351834.2); short protein forms L991*.
Identifiers: ClinVar variation 3148454 (VCV003148454.1), dbSNP rs1227701474, ClinGen allele CA382547271.

ClinVar aggregate classification (germline): Pathogenic (1 of 4 stars; one submission).

Conditions:
Familial cancer of breast. Also called: BREAST CANCER, FAMILIAL; Hereditary breast cancer; hereditary breast carcinoma. Identifiers: Orphanet 227535, MedGen C0346153, MONDO:0016419, OMIM 114480. Disease mechanism: loss of function.

Submission:

Myriad Genetics, Inc.
Classification: Pathogenic for Familial cancer of breast. Last evaluated: 2024-01-18. Review status: criteria provided, single submitter. Criteria: Myriad Autosomal Dominant, Autosomal Recessive and X-Linked Classification Criteria (2023). Collection method: clinical testing. Allele origin: unknown.
Comment: This variant is considered pathogenic. This variant creates a termination codon and is predicted to result in premature protein truncation.